The following is an entry in ClinVar:

ClinVar aggregate classification (germline): Likely benign (1 of 4 stars; one submission).

Conditions:
KMT2D-related disorder. Also called: KMT2D-Related Disorders.

Submission:

PreventionGenetics, part of Exact Sciences
Classification: Likely benign for KMT2D-related condition. Last evaluated: 2025-01-10. Review status: criteria provided, single submitter. Criteria: ACMG Guidelines, 2015. Collection method: clinical testing. Allele origin: germline.
Comment: This variant is classified as likely benign based on ACMG/AMP sequence variant interpretation guidelines (Richards et al. 2015 PMID: 25741868, with internal and published modifications).

NM_003482.4(KMT2D):c.9645C>T (p.Leu3215=)

Gene: KMT2D (lysine methyltransferase 2D; minus strand). Cytogenetic location: 12q13.12.
Variant type: single nucleotide variant.
Coding change: c.9645C>T on transcript NM_003482.4 (MANE Select); coding-DNA position 9645, C replaced by T.
Protein change: p.Leu3215=; no amino-acid change (leucine 3215 retained).
Molecular consequence: synonymous variant.
Genome position (GRCh38, 1-based): chr12:49,037,711, G>A on the plus strand (C>T on the coding strand, the complement: KMT2D is on the minus strand). VCF-style: chr12-49037711-G-A. GRCh37 (hg19) VCF-style: chr12-49431494-G-A.
Identifiers: ClinVar variation 4979961 (VCV004979961.1).